The following is an entry in ClinVar:

ClinVar aggregate classification (germline): Uncertain significance (1 of 4 stars; one submission).

Submission:

Ambry Genetics
Classification: Uncertain significance. Last evaluated: 2022-05-26. Review status: criteria provided, single submitter. Criteria: Ambry Variant Classification Scheme 2023. Collection method: clinical testing. Allele origin: germline.
Comment: The p.G1522A variant (also known as c.4565G>C), located in coding exon 4 of the ALPK2 gene, results from a G to C substitution at nucleotide position 4565. The glycine at codon 1522 is replaced by alanine, an amino acid with similar properties. This amino acid position is conserved. In addition, this alteration is predicted to be tolerated by in silico analysis. Since supporting evidence is limited at this time, the clinical significance of this alteration remains unclear.

NM_052947.4(ALPK2):c.4565G>C (p.Gly1522Ala)

Genes: ALPK2 (alpha kinase 2; minus strand), LOC126862764 (BRD4-independent group 4 enhancer GRCh37_chr18:56202574-56203773; plus strand). Cytogenetic location: 18q21.31.
Variant type: single nucleotide variant.
Coding change: c.4565G>C on transcript NM_052947.4 (MANE Select); coding-DNA position 4565, G replaced by C.
Protein change: p.Gly1522Ala; replaces glycine 1522 with alanine.
Molecular consequence: missense variant.
Genome position (GRCh38, 1-based): chr18:58,535,622, C>G on the plus strand (G>C on the coding strand, the complement: ALPK2 is on the minus strand). VCF-style: chr18-58535622-C-G. GRCh37 (hg19) VCF-style: chr18-56202854-C-G.
Other names: short protein forms G1522A.
Identifiers: ClinVar variation 1741513 (VCV001741513.2), dbSNP rs2518874531, ClinGen allele CA402561359.
Genomic context (GRCh38, chr18:58,535,622, plus strand): 5'-GAAAGAGGTGAAGTGGGGGAAATCAATTCTGCTTTGTCCTTTTTGCTTTGCTCAGCCTCC[C>G]CTAAGCTCCCATCACTGCTTTCTTGTATTTGGCCTATGCTACATCCACTTGGAATTCTTT-3'
Protein context (NP_443179.3, residues 1512-1532): QIQESSDGSL[Gly1522Ala]EAEQSKKDKA